The following is an entry in ClinVar:

NM_144499.3(GNAT1):c.977A>C (p.Gln326Pro)

Gene: GNAT1 (G protein subunit alpha transducin 1; plus strand). Cytogenetic location: 3p21.31.
Variant type: single nucleotide variant.
Coding change: c.977A>C on transcript NM_144499.3 (MANE Select); coding-DNA position 977, A replaced by C.
Protein change: p.Gln326Pro; replaces glutamine 326 with proline.
Molecular consequence: missense variant.
Genome position (GRCh38, 1-based): chr3:50,194,879, A>C. VCF-style: chr3-50194879-A-C. GRCh37 (hg19) VCF-style: chr3-50232312-A-C.
Other names: c.977A>C, p.Gln326Pro (NM_000172.4); short protein forms Q326P.
Identifiers: ClinVar variation 1930169 (VCV001930169.5), dbSNP rs1699479769, ClinGen allele CA352920784.

ClinVar aggregate classification (germline): Uncertain significance (1 of 4 stars; one submission).

Allele frequency attached by ClinVar (database versions not stated): gnomAD exomes 0.00001.
gnomAD v4.1: 5 of 1,613,922 alleles (0.00031%); highest among the groups gnomAD compares: Non-Finnish European, 0.00042%; no homozygotes.

Submission:

Labcorp Genetics (formerly Invitae), Labcorp
Classification: Uncertain significance. Last evaluated: 2022-07-30. Review status: criteria provided, single submitter. Criteria: Invitae Variant Classification Sherloc (09022015). Collection method: clinical testing. Allele origin: germline.
Comment: This variant has not been reported in the literature in individuals affected with GNAT1-related conditions. In summary, the available evidence is currently insufficient to determine the role of this variant in disease. Therefore, it has been classified as a Variant of Uncertain Significance. Algorithms developed to predict the effect of missense changes on protein structure and function (SIFT, PolyPhen-2, Align-GVGD) all suggest that this variant is likely to be tolerated. This variant is not present in population databases (gnomAD no frequency). This sequence change replaces glutamine, which is neutral and polar, with proline, which is neutral and non-polar, at codon 326 of the GNAT1 protein (p.Gln326Pro).